The following is an entry in ClinVar:

NM_032520.5(GNPTG):c.11G>C (p.Gly4Ala)

Genes: GNPTG (N-acetylglucosamine-1-phosphate transferase subunit gamma; plus strand), LOC130058158 (ATAC-STARR-seq lymphoblastoid silent region 6972; plus strand). Cytogenetic location: 16p13.3.
Variant type: single nucleotide variant.
Coding change: c.11G>C on transcript NM_032520.5 (MANE Select); coding-DNA position 11, G replaced by C.
Protein change: p.Gly4Ala; replaces glycine 4 with alanine.
Molecular consequence: missense variant.
Genome position (GRCh38, 1-based): chr16:1,351,976, G>C. VCF-style: chr16-1351976-G-C. GRCh37 (hg19) VCF-style: chr16-1401977-G-C.
Other names: short protein forms G4A.
Identifiers: ClinVar variation 886762 (VCV000886762.9), dbSNP rs574801192, ClinGen allele CA276642463.

ClinVar aggregate classification (germline): Uncertain significance. Review status: criteria provided, multiple submitters, no conflicts (2 of 4 stars). 4 submissions from 4 submitters: Uncertain significance (3). 1 of the submissions does not count toward it. Last evaluated 2022-08-09.

Conditions:
GNPTG-mucolipidosis. Also called: MUCOLIPIDOSIS III, IRANIAN VARIANT FORM; MUCOLIPIDOSIS III, VARIANT FORM; ML III GAMMA; ML IIIC; Mucolipidosis type III gamma; MUCOLIPIDOSIS III, COMPLEMENTATION GROUP C. Identifiers: Orphanet 423470, Orphanet 577, MedGen C1854896, MONDO:0009652, OMIM 252605.

Allele frequency attached by ClinVar (database versions not stated): TOPMed 0.00006; 1000 Genomes Project 0.00020; 1000 Genomes Project 30x 0.00062.
gnomAD v4.1: 364 of 1,369,452 alleles (0.027%); highest among the groups gnomAD compares: East Asian, 1.1%; 1 homozygote.

Submissions (4):

Labcorp Genetics (formerly Invitae), Labcorp
Classification: Uncertain significance. Last evaluated: 2022-08-09. Review status: criteria provided, single submitter. Criteria: Invitae Variant Classification Sherloc (09022015). Collection method: clinical testing. Allele origin: germline.
Comment: This sequence change replaces glycine, which is neutral and non-polar, with alanine, which is neutral and non-polar, at codon 4 of the GNPTG protein (p.Gly4Ala). The frequency data for this variant in the population databases is considered unreliable, as metrics indicate poor data quality at this position in the gnomAD database. This variant has not been reported in the literature in individuals affected with GNPTG-related conditions. ClinVar contains an entry for this variant (Variation ID: 886762). Algorithms developed to predict the effect of missense changes on protein structure and function output the following: SIFT: "Tolerated"; PolyPhen-2: "Not Available"; Align-GVGD: "Class C0". The alanine amino acid residue is found in multiple mammalian species, which suggests that this missense change does not adversely affect protein function. In summary, the available evidence is currently insufficient to determine the role of this variant in disease. Therefore, it has been classified as a Variant of Uncertain Significance.

Genome-Nilou Lab
Classification: Uncertain significance for GNPTG-mucolipidosis. Last evaluated: 2021-11-07. Review status: criteria provided, single submitter. Criteria: ACMG Guidelines, 2015. Collection method: clinical testing. Allele origin: germline. Affected: no.

Illumina Laboratory Services, Illumina
Classification: Uncertain significance for GNPTG-mucolipidosis. Last evaluated: 2018-01-13. Review status: criteria provided, single submitter. Criteria: ICSL Variant Classification Criteria 13 December 2019. Collection method: clinical testing. Allele origin: germline.

Natera, Inc.
Classification: Uncertain significance for Mucolipidosis III gamma. Last evaluated: 2020-04-24. Review status: no assertion criteria provided. Collection method: clinical testing. Allele origin: germline. Not counted in ClinVar's aggregate classification.